The following is an entry in ClinVar:

NM_005068.3(SIM1):c.1167+9A>C

Genes: SIM1 (SIM bHLH transcription factor 1; minus strand), SIM1-AS1 (SIM1 antisense RNA 1; plus strand). Cytogenetic location: 6q16.3.
Variant type: single nucleotide variant.
Coding change: c.1167+9A>C on transcript NM_005068.3 (MANE Select); 9 bases into the intron after coding-DNA position 1167, A replaced by C.
Molecular consequence: intron variant.
Genome position (GRCh38, 1-based): chr6:100,420,781, T>G on the plus strand (A>C on the coding strand, the complement: SIM1 is on the minus strand). VCF-style: chr6-100420781-T-G. GRCh37 (hg19) VCF-style: chr6-100868657-T-G.
Other names: c.1167+9A>C (NM_001374769.1).
Identifiers: ClinVar variation 745930 (VCV000745930.5), dbSNP rs369339909, ClinGen allele CA569516500.

ClinVar aggregate classification (germline): Likely benign. Review status: criteria provided, single submitter (1 of 4 stars). 2 submissions from 2 submitters: Likely benign (1). 1 of the submissions does not count toward it. Last evaluated 2018-04-03.

Conditions:
SIM1-related disorder. Also called: SIM1-related condition; SIM1-related disorders.

Allele frequency attached by ClinVar (database versions not stated): gnomAD exomes below 0.00001; TOPMed below 0.00001.
gnomAD v4.1: 3 of 1,613,922 alleles (0.00019%); highest among the groups gnomAD compares: Admixed American, 0.0033%; no homozygotes.

Submissions (2):

Labcorp Genetics (formerly Invitae), Labcorp
Classification: Likely benign. Last evaluated: 2018-04-03. Review status: criteria provided, single submitter. Criteria: Invitae Variant Classification Sherloc (09022015). Collection method: clinical testing. Allele origin: germline.

PreventionGenetics, part of Exact Sciences
Classification: Likely benign for SIM1-related condition. Last evaluated: 2022-08-30. Review status: no assertion criteria provided. Collection method: clinical testing. Allele origin: germline. Not counted in ClinVar's aggregate classification.
Comment: This variant is classified as likely benign based on ACMG/AMP sequence variant interpretation guidelines (Richards et al. 2015 PMID: 25741868, with internal and published modifications).